The following is an entry in ClinVar:

NM_001355436.2(SPTB):c.2026C>T (p.Gln676Ter)

Gene: SPTB (spectrin beta, erythrocytic; minus strand). Cytogenetic location: 14q23.3.
Variant type: single nucleotide variant.
Coding change: c.2026C>T on transcript NM_001355436.2 (MANE Select); coding-DNA position 2026, C replaced by T.
Protein change: p.Gln676Ter; replaces glutamine 676 with a stop codon.
Molecular consequence: nonsense.
Genome position (GRCh38, 1-based): chr14:64,793,637, G>A on the plus strand (C>T on the coding strand, the complement: SPTB is on the minus strand). VCF-style: chr14-64793637-G-A. GRCh37 (hg19) VCF-style: chr14-65260355-G-A.
Other names: c.2026C>T, p.Gln676Ter (NM_001024858.4, NM_001355437.2); short protein forms Q676*.
Identifiers: ClinVar variation 3354619 (VCV003354619.1).

ClinVar aggregate classification (germline): Pathogenic (0 of 4 stars; one submission).

Conditions:
SPTB-related disorder. Also called: SPTB-related condition; SPTB-Related Disorders.

Submission:

PreventionGenetics, part of Exact Sciences
Classification: Pathogenic for SPTB-related condition. Last evaluated: 2024-08-01. Review status: no assertion criteria provided. Collection method: clinical testing. Allele origin: germline.
Comment: The SPTB c.2026C>T variant is predicted to result in premature protein termination (p.Gln676*). To our knowledge, this variant has not been reported in the literature or in a large population database, indicating this variant is rare. Nonsense variants in SPTB are expected to be pathogenic. This variant is interpreted as pathogenic.